The following is an entry in ClinVar:

NM_020937.4(FANCM):c.2666T>G (p.Ile889Ser)

Gene: FANCM (FA complementation group M; plus strand). Cytogenetic location: 14q21.2.
Variant type: single nucleotide variant.
Coding change: c.2666T>G on transcript NM_020937.4 (MANE Select); coding-DNA position 2666, T replaced by G.
Protein change: p.Ile889Ser; replaces isoleucine 889 with serine.
Molecular consequence: missense variant.
Genome position (GRCh38, 1-based): chr14:45,175,420, T>G. VCF-style: chr14-45175420-T-G. GRCh37 (hg19) VCF-style: chr14-45644623-T-G.
Other names: c.2588T>G, p.Ile863Ser (NM_001308133.2); short protein forms I863S, I889S.
Identifiers: ClinVar variation 4871152 (VCV004871152.1).

ClinVar aggregate classification (germline): Uncertain significance (1 of 4 stars; one submission).

Conditions:
Inborn genetic diseases. Identifiers: MedGen C0950123, MeSH D030342.

Submission:

Ambry Genetics
Classification: Uncertain significance for Inborn genetic diseases. Last evaluated: 2026-05-19. Review status: criteria provided, single submitter. Criteria: Ambry Variant Classification Scheme 2023. Collection method: clinical testing. Allele origin: germline.
Comment: The p.I889S variant (also known as c.2666T>G), located in coding exon 14 of the FANCM gene, results from a T to G substitution at nucleotide position 2666. The isoleucine at codon 889 is replaced by serine, an amino acid with dissimilar properties. This amino acid position is conserved. In addition, this alteration is predicted to be tolerated by in silico analysis. Based on the available evidence, the clinical significance of this variant remains unclear.